The following is an entry in ClinVar:

ClinVar aggregate classification (germline): Uncertain significance (1 of 4 stars; one submission).

Conditions:
Idiopathic generalized epilepsy. Also called: EIG; Generalised epilepsy. Identifiers: MedGen C0270850, MONDO:0005579, OMIM 600669.

gnomAD v4.1: 28 of 1,475,338 alleles (0.0019%); highest among the groups gnomAD compares: African/African-American, 0.0015%; no homozygotes.

Submission:

Labcorp Genetics (formerly Invitae), Labcorp
Classification: Uncertain significance for Idiopathic generalized epilepsy. Last evaluated: 2025-07-08. Review status: criteria provided, single submitter. Criteria: Invitae Variant Classification Sherloc (09022015). Collection method: clinical testing. Allele origin: germline.
Comment: This sequence change replaces glycine, which is neutral and non-polar, with arginine, which is basic and polar, at codon 120 of the RBFOX3 protein (p.Gly120Arg). This variant is present in population databases (no rsID available, gnomAD 0.02%). This variant has not been reported in the literature in individuals affected with RBFOX3-related conditions. An algorithm developed to predict the effect of missense changes on protein structure and function (PolyPhen-2) suggests that this variant is likely to be disruptive. In summary, the available evidence is currently insufficient to determine the role of this variant in disease. Therefore, it has been classified as a Variant of Uncertain Significance.

NM_001350451.2(RBFOX3):c.358G>A (p.Gly120Arg)

Gene: RBFOX3 (RNA binding fox-1 homolog 3; minus strand). Cytogenetic location: 17q25.3.
Variant type: single nucleotide variant.
Coding change: c.358G>A on transcript NM_001350451.2 (MANE Select); coding-DNA position 358, G replaced by A.
Protein change: p.Gly120Arg; replaces glycine 120 with arginine.
Molecular consequence: missense variant.
Genome position (GRCh38, 1-based): chr17:79,106,653, C>T on the plus strand (G>A on the coding strand, the complement: RBFOX3 is on the minus strand). VCF-style: chr17-79106653-C-T. GRCh37 (hg19) VCF-style: chr17-77102735-C-T.
Other names: c.358G>A, p.Gly120Arg (NM_001082575.3, NM_001350453.2, NM_001385804.1 and 36 more transcripts); c.355G>A, p.Gly119Arg (NM_001385806.1, NM_001385822.1, NM_001385823.1 and 4 more transcripts); short protein forms G119R, G120R.
Identifiers: ClinVar variation 4708350 (VCV004708350.1).